The following is an entry in ClinVar:

NM_000051.4(ATM):c.6387C>T (p.Tyr2129=)

Genes: ATM (ATM serine/threonine kinase; plus strand), C11orf65 (chromosome 11 open reading frame 65; minus strand). Cytogenetic location: 11q22.3.
Variant type: single nucleotide variant.
Coding change: c.6387C>T on transcript NM_000051.4 (MANE Select); coding-DNA position 6387, C replaced by T.
Protein change: p.Tyr2129=; no amino-acid change (tyrosine 2129 retained).
Molecular consequence: synonymous variant. On other transcripts: intron variant (2).
Genome position (GRCh38, 1-based): chr11:108,319,993, C>T. VCF-style: chr11-108319993-C-T. GRCh37 (hg19) VCF-style: chr11-108190720-C-T.
Other names: c.6387C>T, p.Tyr2129= (NM_001351834.2); c.641-10922G>A (NM_001330368.2); c.*39-10922G>A (NM_001351110.2).
Identifiers: ClinVar variation 1577792 (VCV001577792.10), dbSNP rs2085081161, ClinGen allele CA476676074.
Genomic context (GRCh38, chr11:108,319,993, plus strand): 5'-TTTCTTTGACTTATCTCACAGCAAAGAAGTAGAAGGAACCAGTTACCATGAATCATTGTA[C>T]AATGCTCTACAATCTCTAAGAGACAGAGAATTCTCTACATTTTATGAAAGTCTCAAATAT-3'
Protein context (NP_000042.3, residues 2119-2139): VEGTSYHESL[Tyr2129=]NALQSLRDRE

ClinVar aggregate classification (germline): Benign/Likely benign. Review status: criteria provided, multiple submitters, no conflicts (2 of 4 stars). 3 submissions from 3 submitters: Benign (1); Likely benign (2). Last evaluated 2024-12-08.

Conditions:
Ataxia-telangiectasia syndrome (AT). Also called: LOUIS-BAR SYNDROME; Cerebello-oculocutaneous telangiectasia; Immunodeficiency with ataxia telangiectasia; Ataxia telangiectasia (A-T); Ataxia-telangiectasia, complementation group D; AT, COMPLEMENTATION GROUP C. Identifiers: Orphanet 100, MedGen C0004135, MONDO:0008840, OMIM 208900.
Familial cancer of breast. Also called: BREAST CANCER, FAMILIAL; Hereditary breast cancer; hereditary breast carcinoma. Identifiers: Orphanet 227535, MedGen C0346153, MONDO:0016419, OMIM 114480. Disease mechanism: loss of function.
Hereditary cancer-predisposing syndrome. Also called: Neoplastic Syndromes, Hereditary; Tumor predisposition; Hereditary Cancer Syndrome; Hereditary neoplastic syndrome. Identifiers: Orphanet 140162, MedGen C0027672, MeSH D009386, MONDO:0015356.

Submissions (3):

Ambry Genetics
Classification: Likely benign for Hereditary cancer-predisposing syndrome. Last evaluated: 2024-12-08. Review status: criteria provided, single submitter. Criteria: Ambry Variant Classification Scheme 2023. Collection method: clinical testing. Allele origin: germline.

Myriad Genetics, Inc.
Classification: Benign for Familial cancer of breast. Last evaluated: 2024-06-06. Review status: criteria provided, single submitter. Criteria: Myriad Autosomal Dominant, Autosomal Recessive and X-Linked Classification Criteria (2023). Collection method: clinical testing. Allele origin: unknown.
Comment: This variant is considered benign. This variant is a silent/synonymous amino acid change and it is not expected to impact splicing.

Labcorp Genetics (formerly Invitae), Labcorp
Classification: Likely benign for Ataxia-telangiectasia syndrome. Last evaluated: 2022-11-23. Review status: criteria provided, single submitter. Criteria: Invitae Variant Classification Sherloc (09022015). Collection method: clinical testing. Allele origin: germline.